The following is an entry in ClinVar:

NM_000831.4(GRIK3):c.2565+28A>G

Gene: GRIK3 (glutamate ionotropic receptor kainate type subunit 3; minus strand). Cytogenetic location: 1p34.3.
Variant type: single nucleotide variant.
Coding change: c.2565+28A>G on transcript NM_000831.4 (MANE Select); 28 bases into the intron after coding-DNA position 2565, A replaced by G.
Molecular consequence: intron variant.
Genome position (GRCh38, 1-based): chr1:36,804,959, T>C on the plus strand (A>G on the coding strand, the complement: GRIK3 is on the minus strand). VCF-style: chr1-36804959-T-C. GRCh37 (hg19) VCF-style: chr1-37270560-T-C.
Identifiers: ClinVar variation 2638675 (VCV002638675.24), dbSNP rs41267293, ClinGen allele CA769712.

ClinVar aggregate classification (germline): Likely benign (1 of 4 stars; one submission).

Allele frequency attached by ClinVar (database versions not stated): 1000 Genomes Project 0.00200; 1000 Genomes Project 30x 0.00219; ExAC 0.00509; TOPMed 0.00536; gnomAD 0.00552; ESP Exome Variant Server 0.00777; gnomAD exomes 0.00794.
gnomAD v4.1: 12,385 of 1,611,884 alleles (0.77%); highest among the groups gnomAD compares: Non-Finnish European, 0.96%; 70 homozygotes.

Submission:

CeGaT Center for Human Genetics Tuebingen
Classification: Likely benign. Last evaluated: 2024-02-01. Review status: criteria provided, single submitter. Criteria: CeGaT Center For Human Genetics Tuebingen Variant Classification Criteria Version 2. Collection method: clinical testing. Allele origin: germline. Affected: yes. Observed: 2 variant alleles.
Comment: GRIK3: BP4, BS2